The following is an entry in ClinVar:

ClinVar aggregate classification (germline): Uncertain significance. Review status: criteria provided, multiple submitters, no conflicts (2 of 4 stars). 2 submissions from 2 submitters: Uncertain significance (2). Last evaluated 2023-10-03.

Conditions:
Inborn genetic diseases. Identifiers: MedGen C0950123, MeSH D030342.

Allele frequency attached by ClinVar (database versions not stated): TOPMed 0.00002; ExAC 0.00003; gnomAD 0.00003; gnomAD exomes 0.00003.
gnomAD v4.1: 52 of 1,601,384 alleles (0.0032%); highest among the groups gnomAD compares: Non-Finnish European, 0.0043%; no homozygotes.

Submissions (2):

Labcorp Genetics (formerly Invitae), Labcorp
Classification: Uncertain significance. Last evaluated: 2023-10-03. Review status: criteria provided, single submitter. Criteria: Invitae Variant Classification Sherloc (09022015). Collection method: clinical testing. Allele origin: germline.
Comment: This sequence change replaces isoleucine, which is neutral and non-polar, with valine, which is neutral and non-polar, at codon 159 of the POC1B protein (p.Ile159Val). This variant is present in population databases (rs765823697, gnomAD 0.006%). This variant has not been reported in the literature in individuals affected with POC1B-related conditions. ClinVar contains an entry for this variant (Variation ID: 1037398). Advanced modeling of protein sequence and biophysical properties (such as structural, functional, and spatial information, amino acid conservation, physicochemical variation, residue mobility, and thermodynamic stability) performed at Invitae indicates that this missense variant is not expected to disrupt POC1B protein function. In summary, the available evidence is currently insufficient to determine the role of this variant in disease. Therefore, it has been classified as a Variant of Uncertain Significance.

Ambry Genetics
Classification: Uncertain significance for Inborn genetic diseases. Last evaluated: 2021-11-08. Review status: criteria provided, single submitter. Criteria: Ambry Variant Classification Scheme 2023. Collection method: clinical testing. Allele origin: germline.

NM_172240.3(POC1B):c.475A>G (p.Ile159Val)

Genes: POC1B (POC1 centriolar protein B; minus strand), POC1B-DUSP6 (POC1B-DUSP6 readthrough; minus strand). Cytogenetic location: 12q21.33.
Variant type: single nucleotide variant.
Coding change: c.475A>G on transcript NM_172240.3 (MANE Select); coding-DNA position 475, A replaced by G.
Protein change: p.Ile159Val; replaces isoleucine 159 with valine.
Molecular consequence: missense variant. On other transcripts: non-coding transcript variant (2).
Genome position (GRCh38, 1-based): chr12:89,472,253, T>C on the plus strand (A>G on the coding strand, the complement: POC1B is on the minus strand). VCF-style: chr12-89472253-T-C. GRCh37 (hg19) VCF-style: chr12-89866030-T-C.
Other names: c.349A>G, p.Ile117Val (NM_001199777.2); c.475A>G (NM_172240.2); short protein forms I117V, I159V.
Identifiers: ClinVar variation 1037398 (VCV001037398.7), dbSNP rs765823697, ClinGen allele CA6714493.
Genomic context (GRCh38, chr12:89,472,253, plus strand): 5'-CACATTGCTTATTTGTGGTATCCCAAATTTTAATAGTTTTATCCTCACTACATGACACAA[T>C]TAGTCTTCCATCGGGTGAAAATCTAGAAAGAAGAAGAAAGAAGATGTTTTATGTGAAAGG-3'
Protein context (NP_758440.1, residues 149-169): CAKFSPDGRL[Ile159Val]VSCSEDKTIK